The following is an entry in ClinVar:

ClinVar aggregate classification (germline): Benign. Review status: criteria provided, multiple submitters, no conflicts (2 of 4 stars). 3 submissions from 3 submitters: Benign (3). Last evaluated 2021-07-22.

Conditions:
Familial infantile myasthenia (CMS6). Also called: Congenital myasthenic syndrome type 6; MYASTHENIC SYNDROME, CONGENITAL, 6, PRESYNAPTIC; MYASTHENIC SYNDROME, PRESYNAPTIC, CONGENITAL, ASSOCIATED WITH EPISODIC APNEA. Identifiers: Orphanet 590, MedGen C0393929, MONDO:0009689, OMIM 254210.

Allele frequency attached by ClinVar (database versions not stated): gnomAD 0.39300 and 0.40295; TOPMed 0.39703; 1000 Genomes Project 30x 0.45706; 1000 Genomes Project 0.46565.
gnomAD v4.1: 709,381 of 1,598,004 alleles (44%); highest among the groups gnomAD compares: East Asian, 66%; 161,473 homozygotes.

Submissions (3):

Genome-Nilou Lab
Classification: Benign for Familial infantile myasthenia. Last evaluated: 2021-07-22. Review status: criteria provided, single submitter. Criteria: ACMG Guidelines, 2015. Collection method: clinical testing. Allele origin: germline. Affected: no.

GeneDx
Classification: Benign. Last evaluated: 2018-06-19. Review status: criteria provided, single submitter. Criteria: GeneDx Variant Classification (06012015). Collection method: clinical testing. Allele origin: germline. Affected: yes.
Comment: This variant is considered likely benign or benign based on one or more of the following criteria: it is a conservative change, it occurs at a poorly conserved position in the protein, it is predicted to be benign by multiple in silico algorithms, and/or has population frequency not consistent with disease.

Breakthrough Genomics
Classification: Benign. Review status: criteria provided, single submitter. Criteria: ACMG Guidelines, 2015. Collection method: not provided. Allele origin: germline. Inheritance: Autosomal recessive inheritance. Affected: yes.

NM_020549.5(CHAT):c.1635-58A>C

Gene: CHAT (choline O-acetyltransferase; plus strand). Cytogenetic location: 10q11.23.
Variant type: single nucleotide variant.
Coding change: c.1635-58A>C on transcript NM_020549.5 (MANE Select); 58 bases into the intron before coding-DNA position 1635, A replaced by C.
Molecular consequence: intron variant.
Genome position (GRCh38, 1-based): chr10:49,655,037, A>C. VCF-style: chr10-49655037-A-C. GRCh37 (hg19) VCF-style: chr10-50863083-A-C.
Other names: c.1281-58A>C (NM_020984.4, NM_020985.4, NM_020986.4 and 2 more transcripts); c.1389-58A>C (NM_001142933.2).
Identifiers: ClinVar variation 678354 (VCV000678354.5), dbSNP rs12264845, ClinGen allele CA13154240.
Genomic context (GRCh38, chr10:49,655,037, plus strand): 5'-TTCTGCCAAGTCAAGTCAGGGCTGTGAAAATAAAGCTTGCTGAGGCAATTTTTCTTTCCG[A>C]GTTTATGATTTCCCAAGAATAAATTACCATGTGCCATTCATCCTTCATCCCACGCAGGCT-3'